The following is an entry in ClinVar:

NM_006648.4(WNK2):c.2011G>A (p.Ala671Thr)

Gene: WNK2 (WNK lysine deficient protein kinase 2; plus strand). Cytogenetic location: 9q22.31.
Variant type: single nucleotide variant.
Coding change: c.2011G>A on transcript NM_006648.4 (MANE Select); coding-DNA position 2011, G replaced by A.
Protein change: p.Ala671Thr; replaces alanine 671 with threonine.
Molecular consequence: missense variant.
Genome position (GRCh38, 1-based): chr9:93,253,059, G>A. VCF-style: chr9-93253059-G-A. GRCh37 (hg19) VCF-style: chr9-96015341-G-A.
Other names: c.2011G>A, p.Ala671Thr (NM_001282394.3); short protein forms A671T.
Identifiers: ClinVar variation 4201644 (VCV004201644.1).

ClinVar aggregate classification (germline): Uncertain significance (1 of 4 stars; one submission).

Submission:

Ambry Genetics
Classification: Uncertain significance. Last evaluated: 2025-07-19. Review status: criteria provided, single submitter. Criteria: Ambry Variant Classification Scheme 2023. Collection method: clinical testing. Allele origin: germline.
Comment: The p.A671T variant (also known as c.2011G>A), located in coding exon 8 of the WNK2 gene, results from a G to A substitution at nucleotide position 2011. The alanine at codon 671 is replaced by threonine, an amino acid with similar properties. This amino acid position is conserved. In addition, this alteration is predicted to be tolerated by in silico analysis. Based on the available evidence, the clinical significance of this variant remains unclear.